The following is an entry in ClinVar:

ClinVar aggregate classification (germline): Conflicting classifications of pathogenicity. Review status: criteria provided, conflicting classifications (1 of 4 stars). 2 submissions from 2 submitters: Uncertain significance (1); Likely benign (1). Last evaluated 2025-08-06.

Conditions:
Long QT syndrome (LQTS). Identifiers: MedGen C0023976, MeSH D008133, MONDO:0002442. Disease mechanism: loss of function. Inheritance: Various modes of inheritance.
Cardiovascular phenotype. Identifiers: MedGen CN230736.

Allele frequency attached by ClinVar (database versions not stated): gnomAD exomes below 0.00001.
gnomAD v4.1: 1 of 1,613,182 alleles (0.000062%); highest among the groups gnomAD compares: Non-Finnish European, 0.000085%; no homozygotes.

Submissions (2):

Labcorp Genetics (formerly Invitae), Labcorp
Classification: Likely benign for Long QT syndrome. Last evaluated: 2025-08-06. Review status: criteria provided, single submitter. Criteria: Invitae Variant Classification Sherloc (09022015). Collection method: clinical testing. Allele origin: germline.

Ambry Genetics
Classification: Uncertain significance for Cardiovascular phenotype. Last evaluated: 2023-07-07. Review status: criteria provided, single submitter. Criteria: Ambry Variant Classification Scheme 2023. Collection method: clinical testing. Allele origin: germline.
Comment: The c.4044C>T variant (also known as p.S1348S), located in coding exon 14 of the AKAP9 gene, results from a C to T substitution at nucleotide position 4044. This nucleotide substitution does not change the serine at codon 1348. This nucleotide position is not well conserved in available vertebrate species. In silico splice site analysis for this alteration is inconclusive. The evidence for this gene-disease relationship is limited; therefore, the clinical significance of this alteration is unclear.

NM_005751.5(AKAP9):c.4044C>T (p.Ser1348=)

Gene: AKAP9 (A-kinase anchoring protein 9; plus strand). Cytogenetic location: 7q21.2.
Variant type: single nucleotide variant.
Coding change: c.4044C>T on transcript NM_005751.5 (MANE Select); coding-DNA position 4044, C replaced by T.
Protein change: p.Ser1348=; no amino-acid change (serine 1348 retained).
Molecular consequence: synonymous variant.
Genome position (GRCh38, 1-based): chr7:92,022,905, C>T. VCF-style: chr7-92022905-C-T. GRCh37 (hg19) VCF-style: chr7-91652219-C-T.
Other names: c.4044C>T, p.Ser1348= (NM_147185.3).
Identifiers: ClinVar variation 2626277 (VCV002626277.3), dbSNP rs2484750502, ClinGen allele CA456450898.
Genomic context (GRCh38, chr7:92,022,905, plus strand): 5'-GCAAGATCTTGAAAAAACTAAACTTGAAGAACAAGTTCAAGAATTAGAAAGCCTCATATC[C>T]TCTTTGCAGCAACAGTTGAAAGAAACTGAACAAAACTATGAGGCAGAGATCCACTGTTTA-3'
Protein context (NP_005742.4, residues 1338-1358): EQVQELESLI[Ser1348=]SLQQQLKETE